The following is an entry in ClinVar:

ClinVar aggregate classification (germline): Likely benign. Review status: criteria provided, multiple submitters, no conflicts (2 of 4 stars). 2 submissions from 2 submitters: Likely benign (2). Last evaluated 2026-04-14.

Conditions:
DICER1-related tumor predisposition. Also called: DICER1 syndrome; DICER1-related pleuropulmonary blastoma cancer predisposition syndrome. Identifiers: Orphanet 284343, MedGen C3839822, MONDO:0100216.

Allele frequency attached by ClinVar (database versions not stated): gnomAD exomes below 0.00001.
gnomAD v4.1: 2 of 1,587,224 alleles (0.00013%); highest among the groups gnomAD compares: Admixed American, 0.0018%; no homozygotes.

Submissions (2):

Myriad Genetics, Inc.
Classification: Likely benign for DICER1-related tumor predisposition. Last evaluated: 2026-04-14. Review status: criteria provided, single submitter. Criteria: Myriad Autosomal Dominant, Autosomal Recessive and X-Linked Classification Criteria (2023). Collection method: clinical testing. Allele origin: unknown.
Comment: This variant is considered likely benign. This variant is intronic and is not expected to impact mRNA splicing.

Labcorp Genetics (formerly Invitae), Labcorp
Classification: Likely benign for DICER1-related tumor predisposition. Last evaluated: 2025-12-07. Review status: criteria provided, single submitter. Criteria: Invitae Variant Classification Sherloc (09022015). Collection method: clinical testing. Allele origin: germline.

NM_177438.3(DICER1):c.4207-16T>C

Gene: DICER1 (dicer 1, ribonuclease III; minus strand). Cytogenetic location: 14q32.13.
Variant type: single nucleotide variant.
Coding change: c.4207-16T>C on transcript NM_177438.3 (MANE Select); 16 bases into the intron before coding-DNA position 4207, T replaced by C.
Molecular consequence: intron variant.
Genome position (GRCh38, 1-based): chr14:95,096,729, A>G on the plus strand (T>C on the coding strand, the complement: DICER1 is on the minus strand). VCF-style: chr14-95096729-A-G. GRCh37 (hg19) VCF-style: chr14-95563066-A-G.
Other names: c.4207-16T>C (NM_001291628.2, NM_030621.4, NM_001395677.1 and 12 more transcripts); c.3802-16T>C (NM_001395690.1, NM_001395687.1, NM_001395689.1 and 2 more transcripts); c.3925-16T>C (NM_001395686.1); c.3640-16T>C (NM_001395691.1); c.2524-16T>C (NM_001395697.1).
Identifiers: ClinVar variation 2021731 (VCV002021731.5), dbSNP rs2542518789, ClinGen allele CA2580089207.